The following is an entry in ClinVar:

NM_001130969.3(NSMF):c.689C>A (p.Thr230Asn)

Gene: NSMF (NMDA receptor synaptonuclear signaling and neuronal migration factor; minus strand). Cytogenetic location: 9q34.3.
Variant type: single nucleotide variant.
Coding change: c.689C>A on transcript NM_001130969.3 (MANE Select); coding-DNA position 689, C replaced by A.
Protein change: p.Thr230Asn; replaces threonine 230 with asparagine.
Molecular consequence: missense variant.
Genome position (GRCh38, 1-based): chr9:137,456,426, G>T on the plus strand (C>A on the coding strand, the complement: NSMF is on the minus strand). VCF-style: chr9-137456426-G-T. GRCh37 (hg19) VCF-style: chr9-140350878-G-T.
Other names: c.689C>A, p.Thr230Asn (NM_001130970.2, NM_001130971.2, NM_001178064.2 and 1 more transcripts); short protein forms T230N.
Identifiers: ClinVar variation 3713067 (VCV003713067.2).

ClinVar aggregate classification (germline): Uncertain significance (1 of 4 stars; one submission).

gnomAD v4.1: 1 of 1,612,984 alleles (0.000062%); highest among the groups gnomAD compares: Non-Finnish European, 0.000085%; no homozygotes.

Submission:

Labcorp Genetics (formerly Invitae), Labcorp
Classification: Uncertain significance. Last evaluated: 2024-09-15. Review status: criteria provided, single submitter. Criteria: Invitae Variant Classification Sherloc (09022015). Collection method: clinical testing. Allele origin: germline.
Comment: This sequence change replaces threonine, which is neutral and polar, with asparagine, which is neutral and polar, at codon 230 of the NSMF protein (p.Thr230Asn). This variant is not present in population databases (gnomAD no frequency). This variant has not been reported in the literature in individuals affected with NSMF-related conditions. Invitae Evidence Modeling of protein sequence and biophysical properties (such as structural, functional, and spatial information, amino acid conservation, physicochemical variation, residue mobility, and thermodynamic stability) indicates that this missense variant is not expected to disrupt NSMF protein function with a negative predictive value of 80%. In summary, the available evidence is currently insufficient to determine the role of this variant in disease. Therefore, it has been classified as a Variant of Uncertain Significance.